The following is an entry in ClinVar:

ClinVar aggregate classification (germline): Uncertain significance (1 of 4 stars; one submission).

Conditions:
Hereditary spastic paraplegia 39 (SPG39). Also called: Spastic Paraplegia Type 39 (SPG39); SPASTIC PARAPLEGIA 39, AUTOSOMAL RECESSIVE. Identifiers: Orphanet 139480, MedGen C2677586, MONDO:0012787, OMIM 612020.

Allele frequency attached by ClinVar (database versions not stated): TOPMed below 0.00001.

Submission:

Labcorp Genetics (formerly Invitae), Labcorp
Classification: Uncertain significance for Hereditary spastic paraplegia 39. Last evaluated: 2022-09-19. Review status: criteria provided, single submitter. Criteria: Invitae Variant Classification Sherloc (09022015). Collection method: clinical testing. Allele origin: germline.
Comment: In summary, the available evidence is currently insufficient to determine the role of this variant in disease. Therefore, it has been classified as a Variant of Uncertain Significance. Advanced modeling of protein sequence and biophysical properties (such as structural, functional, and spatial information, amino acid conservation, physicochemical variation, residue mobility, and thermodynamic stability) performed at Invitae indicates that this missense variant is expected to disrupt PNPLA6 protein function. ClinVar contains an entry for this variant (Variation ID: 972413). This variant has not been reported in the literature in individuals affected with PNPLA6-related conditions. This variant is not present in population databases (gnomAD no frequency). This sequence change replaces aspartic acid, which is acidic and polar, with histidine, which is basic and polar, at codon 669 of the PNPLA6 protein (p.Asp669His).

NM_001166114.2(PNPLA6):c.2122G>C (p.Asp708His)

Gene: PNPLA6 (patatin like domain 6, lysophospholipase; plus strand). Cytogenetic location: 19p13.2.
Variant type: single nucleotide variant.
Coding change: c.2122G>C on transcript NM_001166114.2 (MANE Select); coding-DNA position 2122, G replaced by C.
Protein change: p.Asp708His; replaces aspartic acid 708 with histidine.
Molecular consequence: missense variant.
Genome position (GRCh38, 1-based): chr19:7,551,045, G>C. VCF-style: chr19-7551045-G-C. GRCh37 (hg19) VCF-style: chr19-7615931-G-C.
Other names: c.2149G>C, p.Asp717His (NM_001166111.2); c.1927G>C, p.Asp643His (NM_001166112.2); c.2005G>C, p.Asp669His (NM_001166113.1, NM_006702.5); short protein forms D669H, D643H, D708H, D717H.
Identifiers: ClinVar variation 972413 (VCV000972413.10), dbSNP rs2023621348, ClinGen allele CA403124433.